The following is an entry in ClinVar:

NM_130849.4(SLC39A4):c.1474+2T>A

Gene: SLC39A4 (solute carrier family 39 member 4; minus strand). Cytogenetic location: 8q24.3.
Variant type: single nucleotide variant.
Coding change: c.1474+2T>A on transcript NM_130849.4 (MANE Select); the canonical splice donor site of the intron after coding-DNA position 1474, T replaced by A.
Molecular consequence: splice donor variant.
Genome position (GRCh38, 1-based): chr8:144,413,511, A>T on the plus strand (T>A on the coding strand, the complement: SLC39A4 is on the minus strand). VCF-style: chr8-144413511-A-T. GRCh37 (hg19) VCF-style: chr8-145638895-A-T.
Other names: c.1192+2T>A (NM_001374839.1); c.1399+2T>A (NM_017767.3); c.-21+2T>A (NM_001280557.2).
Identifiers: ClinVar variation 5039923 (VCV005039923.1).

ClinVar aggregate classification (germline): Pathogenic (1 of 4 stars; one submission).

Submission:

CeGaT Center for Human Genetics Tuebingen
Classification: Pathogenic. Last evaluated: 2026-08-01. Review status: criteria provided, single submitter. Criteria: CeGaT Center For Human Genetics Tuebingen Variant Classification Criteria Version 2. Collection method: clinical testing. Allele origin: germline. Affected: yes. Observed: 1 variant allele.
Comment: SLC39A4: PVS1, PM2, PP4:Moderate